The following is an entry in ClinVar:

NM_001292034.3(TAB2):c.363_364insGTTA (p.Phe122fs)

Gene: TAB2 (TGF-beta activated kinase 1 (MAP3K7) binding protein 2; plus strand). Cytogenetic location: 6q25.1.
Variant type: Insertion.
Coding change: c.363_364insGTTA on transcript NM_001292034.3 (MANE Select); coding-DNA positions 363 to 364, GTTA inserted.
Protein change: p.Phe122fs; shifts the reading frame from phenylalanine 122.
Molecular consequence: frameshift variant.
Genome position: GRCh38 VCF-style: chr6-149378276-C-CTAGT. GRCh37 (hg19) VCF-style: chr6-149699412-C-CTAGT.
Other names: c.267_268insGTTA, p.Phe90fs (NM_001292035.3); c.363_364insGTTA, p.Phe122fs (NM_001369506.1, NM_015093.6); short protein forms F122fs, F90fs.
Identifiers: ClinVar variation 3255071 (VCV003255071.1), dbSNP rs2483385177.

ClinVar aggregate classification (germline): Pathogenic (1 of 4 stars; one submission).

Conditions:
Congenital heart defects, multiple types, 2 (CHTD2). Also called: Congenital heart defects, nonsyndromic, 2. Identifiers: Orphanet 664401, MedGen C3554279, MONDO:0014000, OMIM 614980.

Submission:

Victorian Clinical Genetics Services, Murdoch Childrens Research Institute
Classification: Pathogenic for Congenital heart defects, multiple types, 2. Last evaluated: 2023-12-21. Review status: criteria provided, single submitter. Criteria: ACMG Guidelines, 2015. Collection method: clinical testing. Allele origin: germline. Inheritance: Autosomal dominant inheritance. Affected: yes.
Comment: Based on the classification scheme VCGS_Germline_v1.3.4, this variant is classified as Pathogenic. Following criteria are met: 0103 - Loss of function (LoF) and gain of function (GoF) are known mechanisms of disease in this gene. LoF is associated with congenital heart defects (CHD), nonsyndromic, 2 (MIM#614980) and congenital heart defects, multiple types, 2 (MONDO:0014000), while partial LoF appears to be associated with an emerging developmental delay and hypotonia syndrome with mild or no CHD (PMID: 36229919). GoF has an emerging association with frontometaphyseal dysplasia; however, this has currently only been observed in two individuals (PMID: 36229919). (I) 0107 - This gene is associated with autosomal dominant disease. (I) 0201 - Variant is predicted to cause nonsense-mediated decay (NMD) and loss of protein (premature termination codon is located at least 54 nucleotides upstream of the final exon-exon junction). (SP) 0251 - This variant is heterozygous. (I) 0301 - Variant is absent from gnomAD (both v2 and v3). (SP) 0701 - Other NMD-predicted variants comparable to the one identified in this case have very strong previous evidence for pathogenicity. Many NMD-predicted variants have previously been reported as pathogenic in patients with TAB2-related features (ClinVar). (SP) 0807 - This variant has no previous evidence of pathogenicity. (I) 0905 - No published segregation evidence has been identified for this variant. (I) 1007 - No published functional evidence has been identified for this variant. (I) Legend: (SP) - Supporting pathogenic, (I) - Information, (SB) - Supporting benign

Literature cited by the submitters: PubMed 36229919.